The following is an entry in ClinVar:

NM_001146079.2(CLDN14):c.91C>A (p.Arg31=)

Genes: CLDN14 (claudin 14; minus strand), CLDN14-AS1 (CLDN14 antisense RNA 1; plus strand). Cytogenetic location: 21q22.13.
Variant type: single nucleotide variant.
Coding change: c.91C>A on transcript NM_001146079.2 (MANE Select); coding-DNA position 91, C replaced by A.
Protein change: p.Arg31=; no amino-acid change (arginine 31 retained).
Molecular consequence: synonymous variant.
Genome position (GRCh38, 1-based): chr21:36,461,605, G>T on the plus strand (C>A on the coding strand, the complement: CLDN14 is on the minus strand). VCF-style: chr21-36461605-G-T. GRCh37 (hg19) VCF-style: chr21-37833903-G-T.
Other names: c.91C>A, p.Arg31= (NM_001146077.2, NM_001146078.3, NM_012130.4 and 1 more transcripts).
Identifiers: ClinVar variation 1907679 (VCV001907679.12), dbSNP rs757426764, ClinGen allele CA512324535.
Genomic context (GRCh38, chr21:36,461,605, plus strand): 5'-AGAGCCCTTTCAGGTAGGACACGGCCGTGAGGATGTTGGTGCCCACGTGCGCTGTCCTCC[G>T]CCAGTGCGGCAGGATGGTGGTGATCAACGTGCCCACCATGCCCAGGAAGCTGAGCAGGAA-3'
Protein context (NP_001139551.1, residues 21-41): TLITTILPHW[Arg31=]RTAHVGTNIL

ClinVar aggregate classification (germline): Likely benign. Review status: criteria provided, multiple submitters, no conflicts (2 of 4 stars). 2 submissions from 2 submitters: Likely benign (2). Last evaluated 2025-03-01.

Submissions (2):

CeGaT Center for Human Genetics Tuebingen
Classification: Likely benign. Last evaluated: 2025-03-01. Review status: criteria provided, single submitter. Criteria: CeGaT Center For Human Genetics Tuebingen Variant Classification Criteria Version 2. Collection method: clinical testing. Allele origin: germline. Affected: yes. Observed: 1 variant allele.
Comment: CLDN14: BP4, BP7

Labcorp Genetics (formerly Invitae), Labcorp
Classification: Likely benign. Last evaluated: 2022-08-01. Review status: criteria provided, single submitter. Criteria: Invitae Variant Classification Sherloc (09022015). Collection method: clinical testing. Allele origin: germline.